The following is an entry in ClinVar:

ClinVar aggregate classification (germline): Likely pathogenic (1 of 4 stars; one submission).

Conditions:
ARID1B-Related Disorder. Identifiers: MedGen CN381337.

Submission:

PreventionGenetics, part of Exact Sciences
Classification: Likely pathogenic for ARID1B-related condition. Last evaluated: 2025-07-08. Review status: criteria provided, single submitter. Criteria: ACMG Guidelines, 2015. Collection method: clinical testing. Allele origin: germline.
Comment: The ARID1B c.1371_1393delinsT variant is predicted to result in a frameshift and premature protein termination (p.Ala460Serfs*35). To our knowledge, this variant has not been reported in the literature or in a large population database (gnomAD), indicating this variant is rare. Frameshift variants in ARID1B are expected to be pathogenic. This variant is interpreted as likely pathogenic.

NM_001374828.1(ARID1B):c.1620_1642delinsT (p.Ala543fs)

Gene: ARID1B (AT-rich interaction domain 1B; plus strand). Cytogenetic location: 6q25.3.
Variant type: Indel.
Coding change: c.1620_1642delinsT on transcript NM_001374828.1 (MANE Select); coding-DNA positions 1620 to 1642, GGCGGCGGCGGGGGCGGCGGCGG replaced by T.
Protein change: p.Ala543fs; shifts the reading frame from alanine 543.
Molecular consequence: frameshift variant.
Genome position (GRCh38, 1-based): chr6:156,779,300-156,779,322, GGCGGCGGCGGGGGCGGCGGCGG replaced by T. VCF-style: chr6-156779300-GGCGGCGGCGGGGGCGGCGGCGG-T. GRCh37 (hg19) VCF-style: chr6-157100434-GGCGGCGGCGGGGGCGGCGGCGG-T.
Other names: c.1620_1642delinsT, p.Ala543fs (NM_001371656.1, NM_001374820.1, NM_001438482.1 and 9 more transcripts); c.1371_1393delinsT (NM_020732.3); short protein forms A543fs.
Identifiers: ClinVar variation 5000046 (VCV005000046.1).